The following is an entry in ClinVar:

NM_019032.6(ADAMTSL4):c.21G>A (p.Arg7=)

Genes: ADAMTSL4 (ADAMTS like 4; plus strand), ADAMTSL4-AS2 (ADAMTSL4 antisense RNA 2; minus strand). Cytogenetic location: 1q21.2.
Variant type: single nucleotide variant.
Coding change: c.21G>A on transcript NM_019032.6 (MANE Select); coding-DNA position 21, G replaced by A.
Protein change: p.Arg7=; no amino-acid change (arginine 7 retained).
Molecular consequence: synonymous variant.
Genome position (GRCh38, 1-based): chr1:150,552,543, G>A. VCF-style: chr1-150552543-G-A. GRCh37 (hg19) VCF-style: chr1-150525019-G-A.
Other names: c.21G>A, p.Arg7= (NM_001288607.2, NM_001288608.2, NM_001378596.1 and 1 more transcripts).
Identifiers: ClinVar variation 4681976 (VCV004681976.5).

ClinVar aggregate classification (germline): Likely benign (1 of 4 stars; one submission).

Submission:

CeGaT Center for Human Genetics Tuebingen
Classification: Likely benign. Last evaluated: 2025-12-01. Review status: criteria provided, single submitter. Criteria: CeGaT Center For Human Genetics Tuebingen Variant Classification Criteria Version 2. Collection method: clinical testing. Allele origin: germline. Affected: yes. Observed: 1 variant allele.
Comment: ADAMTSL4: PM2:Supporting, BP4, BP7